The following is an entry in ClinVar:

NM_001130438.3(SPTAN1):c.4117G>A (p.Gly1373Arg)

Gene: SPTAN1 (spectrin alpha, non-erythrocytic 1; plus strand). Cytogenetic location: 9q34.11.
Variant type: single nucleotide variant.
Coding change: c.4117G>A on transcript NM_001130438.3 (MANE Select); coding-DNA position 4117, G replaced by A.
Protein change: p.Gly1373Arg; replaces glycine 1373 with arginine.
Molecular consequence: missense variant.
Genome position (GRCh38, 1-based): chr9:128,607,674, G>A. VCF-style: chr9-128607674-G-A. GRCh37 (hg19) VCF-style: chr9-131369953-G-A.
Other names: c.4057G>A, p.Gly1353Arg (NM_001195532.2, NM_001363765.2, NM_001375314.2); c.4117G>A, p.Gly1373Arg (NM_001363759.2, NM_001375310.1, NM_001375311.2 and 2 more transcripts); c.4153G>A, p.Gly1385Arg (NM_001375312.2, NM_001375318.1); short protein forms G1353R, G1385R, G1373R.
Identifiers: ClinVar variation 2119368 (VCV002119368.5), dbSNP rs1856064775, ClinGen allele CA375065938.

ClinVar aggregate classification (germline): Uncertain significance. Review status: criteria provided, single submitter (1 of 4 stars). 2 submissions from 2 submitters: Uncertain significance (1). 1 of the submissions does not count toward it. Last evaluated 2024-03-28.

Conditions:
Early-infantile DEE. Also called: Early infantile epileptic encephalopathy; Ohtahara syndrome; Early infantile epileptic encephalopathy with suppression bursts. Identifiers: Orphanet 1934, MedGen C0393706, MONDO:0800491.

Allele frequency attached by ClinVar (database versions not stated): gnomAD 0.00001; gnomAD exomes below 0.00001; TOPMed below 0.00001.
gnomAD v4.1: 7 of 1,613,948 alleles (0.00043%); highest among the groups gnomAD compares: African/African-American, 0.0013%; no homozygotes.

Submissions (2):

Labcorp Genetics (formerly Invitae), Labcorp
Classification: Uncertain significance for Early-infantile DEE. Last evaluated: 2024-03-28. Review status: criteria provided, single submitter. Criteria: Invitae Variant Classification Sherloc (09022015). Collection method: clinical testing. Allele origin: germline.
Comment: This sequence change replaces glycine, which is neutral and non-polar, with arginine, which is basic and polar, at codon 1373 of the SPTAN1 protein (p.Gly1373Arg). This variant is not present in population databases (gnomAD no frequency). This variant has not been reported in the literature in individuals affected with SPTAN1-related conditions. ClinVar contains an entry for this variant (Variation ID: 2119368). Advanced modeling of protein sequence and biophysical properties (such as structural, functional, and spatial information, amino acid conservation, physicochemical variation, residue mobility, and thermodynamic stability) has been performed at Invitae for this missense variant, however the output from this modeling did not meet the statistical confidence thresholds required to predict the impact of this variant on SPTAN1 protein function. In summary, the available evidence is currently insufficient to determine the role of this variant in disease. Therefore, it has been classified as a Variant of Uncertain Significance.

Clinical Genetics Laboratory, University Hospital Schleswig-Holstein
Classification: Likely pathogenic. Last evaluated: 2024-02-15. Review status: no assertion criteria provided. Collection method: clinical testing. Allele origin: germline. Affected: yes. Not counted in ClinVar's aggregate classification.

Literature cited by the submitters: PubMed 35150594 (cited by Clinical Genetics Laboratory, University Hospital Schleswig-Holstein).